The following is an entry in ClinVar:

NM_025219.3(DNAJC5):c.132C>T (p.Pro44=)

Gene: DNAJC5 (DnaJ heat shock protein family (Hsp40) member C5; plus strand). Cytogenetic location: 20q13.33.
Variant type: single nucleotide variant.
Coding change: c.132C>T on transcript NM_025219.3 (MANE Select); coding-DNA position 132, C replaced by T.
Protein change: p.Pro44=; no amino-acid change (proline 44 retained).
Molecular consequence: synonymous variant.
Genome position (GRCh38, 1-based): chr20:63,929,336, C>T. VCF-style: chr20-63929336-C-T. GRCh37 (hg19) VCF-style: chr20-62560689-C-T.
Other names: p.P44P:CCC>CCT.
Identifiers: ClinVar variation 205366 (VCV000205366.25), dbSNP rs140948457, ClinGen allele CA314373.

ClinVar aggregate classification (germline): Benign/Likely benign. Review status: criteria provided, multiple submitters, no conflicts (2 of 4 stars). 7 submissions from 7 submitters: Benign (4); Likely benign (2). 1 of the submissions does not count toward it. Last evaluated 2026-01-13.

Conditions:
DNAJC5-related disorder. Also called: DNAJC5-related condition.
Inborn genetic diseases. Identifiers: MedGen C0950123, MeSH D030342.
Neuronal ceroid lipofuscinosis. Also called: Neuronal Ceroid Lipofuscinoses. Identifiers: Orphanet 216, Orphanet 79263, MedGen C0027877, MONDO:0016295. Disease mechanism: loss of function.
Ceroid lipofuscinosis, neuronal, 4 (Kufs type) (CLN4). Also called: Ceroid lipofuscinosis, neuronal, 4, Parry type; Neuronal ceroid lipofuscinosis 4B. Identifiers: Orphanet 228343, Orphanet 79262, MedGen C1834207, MONDO:0008083, OMIM 162350.

Allele frequency attached by ClinVar (database versions not stated): gnomAD exomes 0.00028 and 0.00069; ExAC 0.00084; ESP Exome Variant Server 0.00269; gnomAD 0.00291 and 0.00314; TOPMed 0.00298; 1000 Genomes Project 30x 0.00312; 1000 Genomes Project 0.00339.
gnomAD v4.1: 859 of 1,613,998 alleles (0.053%); highest among the groups gnomAD compares: African/African-American, 1%; 4 homozygotes.

Submissions (7):

Labcorp Genetics (formerly Invitae), Labcorp
Classification: Benign for Neuronal ceroid lipofuscinosis. Last evaluated: 2026-01-13. Review status: criteria provided, single submitter. Criteria: Invitae Variant Classification Sherloc (09022015). Collection method: clinical testing. Allele origin: germline.

Athena Diagnostics
Classification: Benign. Last evaluated: 2025-03-10. Review status: criteria provided, single submitter. Criteria: Athena Diagnostics Criteria. Collection method: clinical testing. Allele origin: unknown.
Comment: The frequency of this variant in the general population is higher than would generally be expected for pathogenic variants in this gene.

Blueprint Genetics
Classification: Likely benign. Last evaluated: 2024-10-09. Review status: criteria provided, single submitter. Criteria: ACMG Guidelines, 2015. Collection method: clinical testing. Allele origin: germline.

Illumina Laboratory Services, Illumina
Classification: Benign for Ceroid lipofuscinosis, neuronal, 4 (Kufs type). Last evaluated: 2018-01-13. Review status: criteria provided, single submitter. Criteria: ICSL Variant Classification Criteria 13 December 2019. Collection method: clinical testing. Allele origin: germline.
Comment: This variant was observed in the ICSL laboratory as part of a predisposition screen in an ostensibly healthy population. It had not been previously curated by ICSL or reported in the Human Gene Mutation Database (HGMD: prior to June 1st, 2018), and was therefore a candidate for classification through an automated scoring system. Utilizing variant allele frequency, disease prevalence and penetrance estimates, and inheritance mode, an automated score was calculated to assess if this variant is too frequent to cause the disease. Based on the score and internal cut-off values, a variant classified as benign is not then subjected to further curation. The score for this variant resulted in a classification of benign for this disease.

Ambry Genetics
Classification: Likely benign for Inborn genetic diseases. Last evaluated: 2016-12-15. Review status: criteria provided, single submitter. Criteria: Ambry Variant Classification Scheme 2023. Collection method: clinical testing. Allele origin: germline.

GeneDx
Classification: Benign. Last evaluated: 2014-12-20. Review status: criteria provided, single submitter. Criteria: GeneDx Variant Classification (06012015). Collection method: clinical testing. Allele origin: germline. Affected: yes.
Comment: This variant is considered likely benign or benign based on one or more of the following criteria: it is a conservative change, it occurs at a poorly conserved position in the protein, it is predicted to be benign by multiple in silico algorithms, and/or has population frequency not consistent with disease.

PreventionGenetics, part of Exact Sciences
Classification: Benign for DNAJC5-related condition. Last evaluated: 2019-07-30. Review status: no assertion criteria provided. Collection method: clinical testing. Allele origin: germline. Not counted in ClinVar's aggregate classification.
Comment: This variant is classified as benign based on ACMG/AMP sequence variant interpretation guidelines (Richards et al. 2015 PMID: 25741868, with internal and published modifications).